The following is an entry in ClinVar:

NM_198253.3(TERT):c.3013C>T (p.Leu1005Phe)

Gene: TERT (telomerase reverse transcriptase; minus strand). Cytogenetic location: 5p15.33.
Variant type: single nucleotide variant.
Coding change: c.3013C>T on transcript NM_198253.3 (MANE Select); coding-DNA position 3013, C replaced by T.
Protein change: p.Leu1005Phe; replaces leucine 1005 with phenylalanine.
Molecular consequence: missense variant. On other transcripts: non-coding transcript variant (2).
Genome position (GRCh38, 1-based): chr5:1,258,617, G>A on the plus strand (C>T on the coding strand, the complement: TERT is on the minus strand). VCF-style: chr5-1258617-G-A. GRCh37 (hg19) VCF-style: chr5-1258732-G-A.
Other names: c.2824C>T, p.Leu942Phe (NM_001193376.3); c.3013C>T, p.Leu1005Phe (NM_003219.1); short protein forms L1005F, L942F.
Identifiers: ClinVar variation 1714221 (VCV001714221.4), dbSNP rs2478106619, ClinGen allele CA359068835.
Genomic context (GRCh38, chr5:1,258,617, plus strand): 5'-GTCCCTGGAGGCTGGGCCTGCACCCCTTGGTGGCGGCTCACCTGTACGCCTGCAGCAGGA[G>A]GATCTTGTAGATGTTGGTGCACACCGTCTGGAGGCTGTTCACCTAGAGTCGCCAAGAAAG-3'
Protein context (NP_937983.2, residues 995-1015): QTVCTNIYKI[Leu1005Phe]LLQAYRFHAC

ClinVar aggregate classification (germline): Conflicting classifications of pathogenicity. Review status: criteria provided, conflicting classifications (1 of 4 stars). 2 submissions from 2 submitters: Uncertain significance (1); Likely benign (1). Last evaluated 2026-06-14.

Conditions:
Dyskeratosis congenita, autosomal dominant 2. Identifiers: MedGen C3151443, MONDO:0013521, OMIM 613989.
Idiopathic Pulmonary Fibrosis. Also called: Idiopathic fibrosing alveolitis, chronic form; idiopathic fibrosing alveolitis. Identifiers: Orphanet 2032, MedGen C1800706, MeSH D054990, MONDO:0800504.
Dyskeratosis congenita. Identifiers: Orphanet 1775, MedGen C0265965, MONDO:0015780.

Allele frequency attached by ClinVar (database versions not stated): gnomAD exomes below 0.00001.
gnomAD v4.1: 1 of 1,571,492 alleles (0.000064%); highest among the groups gnomAD compares: Non-Finnish European, 0.000086%; no homozygotes.

Submissions (2):

Ambry Genetics
Classification: Likely benign for Dyskeratosis congenita. Last evaluated: 2026-06-14. Review status: criteria provided, single submitter. Criteria: Ambry Variant Classification Scheme 2023. Collection method: clinical testing. Allele origin: germline.

Labcorp Genetics (formerly Invitae), Labcorp
Classification: Uncertain significance for Dyskeratosis congenita, autosomal dominant 2; Idiopathic Pulmonary Fibrosis. Last evaluated: 2022-07-29. Review status: criteria provided, single submitter. Criteria: Invitae Variant Classification Sherloc (09022015). Collection method: clinical testing. Allele origin: germline.
Comment: This sequence change replaces leucine, which is neutral and non-polar, with phenylalanine, which is neutral and non-polar, at codon 1005 of the TERT protein (p.Leu1005Phe). This variant is not present in population databases (gnomAD no frequency). This variant has not been reported in the literature in individuals affected with TERT-related conditions. Advanced modeling of protein sequence and biophysical properties (such as structural, functional, and spatial information, amino acid conservation, physicochemical variation, residue mobility, and thermodynamic stability) performed at Invitae indicates that this missense variant is not expected to disrupt TERT protein function. In summary, the available evidence is currently insufficient to determine the role of this variant in disease. Therefore, it has been classified as a Variant of Uncertain Significance.